The following is an entry in ClinVar:

ClinVar aggregate classification (germline): Uncertain significance (1 of 4 stars; one submission).

gnomAD v4.1: 1 of 1,613,930 alleles (0.000062%); highest among the groups gnomAD compares: Non-Finnish European, 0.000085%; no homozygotes.

Submission:

Labcorp Genetics (formerly Invitae), Labcorp
Classification: Uncertain significance. Last evaluated: 2025-10-26. Review status: criteria provided, single submitter. Criteria: Invitae Variant Classification Sherloc (09022015). Collection method: clinical testing. Allele origin: germline.
Comment: This sequence change replaces alanine, which is neutral and non-polar, with threonine, which is neutral and polar, at codon 984 of the DUOX2 protein (p.Ala984Thr). This variant is not present in population databases (gnomAD no frequency). This variant has not been reported in the literature in individuals affected with DUOX2-related conditions. ClinVar contains an entry for this variant (Variation ID: 1440448). Invitae Evidence Modeling of protein sequence and biophysical properties (such as structural, functional, and spatial information, amino acid conservation, physicochemical variation, residue mobility, and thermodynamic stability) indicates that this missense variant is not expected to disrupt DUOX2 protein function with a negative predictive value of 95%. In summary, the available evidence is currently insufficient to determine the role of this variant in disease. Therefore, it has been classified as a Variant of Uncertain Significance.

NM_001363711.2(DUOX2):c.2950G>A (p.Ala984Thr)

Gene: DUOX2 (dual oxidase 2; minus strand). Cytogenetic location: 15q21.1.
Variant type: single nucleotide variant.
Coding change: c.2950G>A on transcript NM_001363711.2 (MANE Select); coding-DNA position 2950, G replaced by A.
Protein change: p.Ala984Thr; replaces alanine 984 with threonine.
Molecular consequence: missense variant.
Genome position (GRCh38, 1-based): chr15:45,100,810, C>T on the plus strand (G>A on the coding strand, the complement: DUOX2 is on the minus strand). VCF-style: chr15-45100810-C-T. GRCh37 (hg19) VCF-style: chr15-45393008-C-T.
Other names: c.2950G>A, p.Ala984Thr (NM_014080.5); short protein forms A984T.
Identifiers: ClinVar variation 1440448 (VCV001440448.6), dbSNP rs138358075, ClinGen allele CA392264712.